The following is an entry in ClinVar:

NM_001371596.2(MFSD8):c.773A>T (p.Gln258Leu)

Gene: MFSD8 (major facilitator superfamily domain containing 8; minus strand). Cytogenetic location: 4q28.2.
Variant type: single nucleotide variant.
Coding change: c.773A>T on transcript NM_001371596.2 (MANE Select); coding-DNA position 773, A replaced by T.
Protein change: p.Gln258Leu; replaces glutamine 258 with leucine.
Molecular consequence: missense variant.
Genome position (GRCh38, 1-based): chr4:127,933,075, T>A on the plus strand (A>T on the coding strand, the complement: MFSD8 is on the minus strand). VCF-style: chr4-127933075-T-A. GRCh37 (hg19) VCF-style: chr4-128854230-T-A.
Other names: c.572A>T, p.Gln191Leu (NM_001363520.3); c.458A>T, p.Gln153Leu (NM_001363521.3); c.638A>T, p.Gln213Leu (NM_001371590.2); c.773A>T, p.Gln258Leu (NM_001371591.2, NM_152778.4); c.779A>T, p.Gln260Leu (NM_001371592.2); c.659A>T, p.Gln220Leu (NM_001371593.2, NM_001410766.1); c.626A>T, p.Gln209Leu (NM_001371594.2); c.491A>T, p.Gln164Leu (NM_001371595.1); and 1 more; short protein forms Q209L, Q258L, Q260L, Q153L, Q191L, Q213L, Q220L, Q164L.
Identifiers: ClinVar variation 1493950 (VCV001493950.9), dbSNP rs2148882430, ClinGen allele CA358174774.

ClinVar aggregate classification (germline): Uncertain significance (1 of 4 stars; one submission).

Conditions:
Neuronal ceroid lipofuscinosis 7 (CLN7). Also called: MFSD8-Related Neuronal Ceroid-Lipofuscinosis. Identifiers: Orphanet 168491, Orphanet 228366, MedGen C1838571, MONDO:0012588, OMIM 610951.

Submission:

Labcorp Genetics (formerly Invitae), Labcorp
Classification: Uncertain significance for Neuronal ceroid lipofuscinosis 7. Last evaluated: 2022-02-02. Review status: criteria provided, single submitter. Criteria: Invitae Variant Classification Sherloc (09022015). Collection method: clinical testing. Allele origin: germline.
Comment: This variant has not been reported in the literature in individuals affected with MFSD8-related conditions. This sequence change replaces glutamine, which is neutral and polar, with leucine, which is neutral and non-polar, at codon 258 of the MFSD8 protein (p.Gln258Leu). This variant is not present in population databases (gnomAD no frequency). Algorithms developed to predict the effect of missense changes on protein structure and function are either unavailable or do not agree on the potential impact of this missense change (SIFT: "Deleterious"; PolyPhen-2: "Benign"; Align-GVGD: "Class C15"). In summary, the available evidence is currently insufficient to determine the role of this variant in disease. Therefore, it has been classified as a Variant of Uncertain Significance.